The following is an entry in ClinVar:

NM_000384.3(APOB):c.7990G>C (p.Asp2664His)

Gene: APOB (apolipoprotein B; minus strand). Cytogenetic location: 2p24.1.
Variant type: single nucleotide variant.
Coding change: c.7990G>C on transcript NM_000384.3 (MANE Select); coding-DNA position 7990, G replaced by C.
Protein change: p.Asp2664His; replaces aspartic acid 2664 with histidine.
Molecular consequence: missense variant.
Genome position (GRCh38, 1-based): chr2:21,008,878, C>G on the plus strand (G>C on the coding strand, the complement: APOB is on the minus strand). VCF-style: chr2-21008878-C-G. GRCh37 (hg19) VCF-style: chr2-21231750-C-G.
Other names: short protein forms D2664H.
Identifiers: ClinVar variation 3415890 (VCV003415890.1).
Genomic context (GRCh38, chr2:21,008,878, plus strand): 5'-GCTCACTGTTCAGCATCTGGTCAATGGTTCTGATGATCTTTACTTTCATTTCTACAAAGT[C>G]AATTGTAAAGGAAGGAATGTGGAAGGTGTTAAGGATGGTAAATTCTGGTGTGGAAAACCT-3'
Protein context (NP_000375.3, residues 2654-2674): NTFHIPSFTI[Asp2664His]FVEMKVKIIR

ClinVar aggregate classification (germline): Uncertain significance (1 of 4 stars; one submission).

Conditions:
Cardiovascular phenotype. Identifiers: MedGen CN230736.

gnomAD v4.1: 2 of 1,613,952 alleles (0.00012%); highest among the groups gnomAD compares: Admixed American, 0.0033%; no homozygotes.

Submission:

Ambry Genetics
Classification: Uncertain significance for Cardiovascular phenotype. Last evaluated: 2024-09-11. Review status: criteria provided, single submitter. Criteria: Ambry Variant Classification Scheme 2023. Collection method: clinical testing. Allele origin: germline.
Comment: The p.D2664H variant (also known as c.7990G>C), located in coding exon 26 of the APOB gene, results from a G to C substitution at nucleotide position 7990. The aspartic acid at codon 2664 is replaced by histidine, an amino acid with similar properties. This amino acid position is highly conserved in available vertebrate species. In addition, the in silico prediction for this alteration is inconclusive. Based on the available evidence, the clinical significance of this variant remains unclear.